The following is an entry in ClinVar:

NM_000053.4(ATP7B):c.3261C>G (p.Thr1087=)

Gene: ATP7B (ATPase copper transporting beta; minus strand). Cytogenetic location: 13q14.3.
Variant type: single nucleotide variant.
Coding change: c.3261C>G on transcript NM_000053.4 (MANE Select); coding-DNA position 3261, C replaced by G.
Protein change: p.Thr1087=; no amino-acid change (threonine 1087 retained).
Molecular consequence: synonymous variant.
Genome position (GRCh38, 1-based): chr13:51,942,537, G>C on the plus strand (C>G on the coding strand, the complement: ATP7B is on the minus strand). VCF-style: chr13-51942537-G-C. GRCh37 (hg19) VCF-style: chr13-52516673-G-C.
Other names: c.2640C>G, p.Thr880= (NM_001005918.3); c.2928C>G, p.Thr976= (NM_001243182.2); c.3027C>G, p.Thr1009= (NM_001330578.2); c.3009C>G, p.Thr1003= (NM_001330579.2).
Identifiers: ClinVar variation 1654074 (VCV001654074.11), dbSNP rs375820067, ClinGen allele CA6988751.

ClinVar aggregate classification (germline): Likely benign. Review status: criteria provided, multiple submitters, no conflicts (2 of 4 stars). 3 submissions from 3 submitters: Likely benign (3). Last evaluated 2023-12-05.

Conditions:
Wilson disease (WND). Also called: Wilson's disease. Identifiers: Orphanet 905, MedGen C0019202, MONDO:0010200, OMIM 277900. Disease mechanism: loss of function.

gnomAD v4.1: 4 of 1,613,986 alleles (0.00025%); highest among the groups gnomAD compares: Non-Finnish European, 0.00034%; no homozygotes.

Submissions (3):

Labcorp Genetics (formerly Invitae), Labcorp
Classification: Likely benign for Wilson disease. Last evaluated: 2023-12-05. Review status: criteria provided, single submitter. Criteria: Invitae Variant Classification Sherloc (09022015). Collection method: clinical testing. Allele origin: germline.

All of Us Research Program, National Institutes of Health
Classification: Likely benign for Wilson disease. Last evaluated: 2023-04-10. Review status: criteria provided, single submitter. Criteria: ACMG Guidelines, 2015. Collection method: clinical testing. Allele origin: germline. Inheritance: Autosomal recessive inheritance. Observed: 1 variant allele, 1 heterozygote.
Comment: This study involves interpretation of variants in research participants for the purpose of population health screening. Participant phenotype was not available at the time of variant classification. Additional details can be found in publication PMID: 35346344, PMCID: PMC8962531

Color Diagnostics, LLC DBA Color Health
Classification: Likely benign for Wilson disease. Last evaluated: 2022-04-28. Review status: criteria provided, single submitter. Criteria: ACMG Guidelines, 2015. Collection method: clinical testing. Allele origin: germline.